The following is an entry in ClinVar:

ClinVar aggregate classification (germline): Uncertain significance (1 of 4 stars; one submission).

Conditions:
Hereditary sensory and autonomic neuropathy type 7. Also called: HSAN VII; Neuropathy, hereditary sensory and autonomic, type VII. Identifiers: Orphanet 391397, MedGen C3809882, MONDO:0014244, OMIM 615548.
Familial episodic pain syndrome with predominantly lower limb involvement. Also called: Episodic pain syndrome, familial, 3. Identifiers: Orphanet 391384, Orphanet 391392, MedGen C3809899, MONDO:0014247, OMIM 615552.

Allele frequency attached by ClinVar (database versions not stated): ExAC 0.00001.
gnomAD v4.1: 5 of 1,614,028 alleles (0.00031%); highest among the groups gnomAD compares: Admixed American, 0.0083%; no homozygotes.

Submission:

Labcorp Genetics (formerly Invitae), Labcorp
Classification: Uncertain significance for Familial episodic pain syndrome with predominantly lower limb involvement; Hereditary sensory and autonomic neuropathy type 7. Last evaluated: 2025-08-29. Review status: criteria provided, single submitter. Criteria: Invitae Variant Classification Sherloc (09022015). Collection method: clinical testing. Allele origin: germline.
Comment: This sequence change replaces glycine, which is neutral and non-polar, with glutamic acid, which is acidic and polar, at codon 45 of the SCN11A protein (p.Gly45Glu). This variant is present in population databases (rs778518459, gnomAD 0.003%). This variant has not been reported in the literature in individuals affected with SCN11A-related conditions. ClinVar contains an entry for this variant (Variation ID: 2047709). Invitae Evidence Modeling of protein sequence and biophysical properties (such as structural, functional, and spatial information, amino acid conservation, physicochemical variation, residue mobility, and thermodynamic stability) indicates that this missense variant is not expected to disrupt SCN11A protein function with a negative predictive value of 80%. In summary, the available evidence is currently insufficient to determine the role of this variant in disease. Therefore, it has been classified as a Variant of Uncertain Significance.

NM_001349253.2(SCN11A):c.134G>A (p.Gly45Glu)

Gene: SCN11A (sodium voltage-gated channel alpha subunit 11; minus strand). Cytogenetic location: 3p22.2.
Variant type: single nucleotide variant.
Coding change: c.134G>A on transcript NM_001349253.2 (MANE Select); coding-DNA position 134, G replaced by A.
Protein change: p.Gly45Glu; replaces glycine 45 with glutamic acid.
Molecular consequence: missense variant.
Genome position (GRCh38, 1-based): chr3:38,950,229, C>T on the plus strand (G>A on the coding strand, the complement: SCN11A is on the minus strand). VCF-style: chr3-38950229-C-T. GRCh37 (hg19) VCF-style: chr3-38991720-C-T.
Other names: c.134G>A, p.Gly45Glu (NM_014139.3); short protein forms G45E.
Identifiers: ClinVar variation 2047709 (VCV002047709.4), dbSNP rs778518459, ClinGen allele CA2322768.